The following is an entry in ClinVar:

ClinVar aggregate classification (germline): Uncertain significance (1 of 4 stars; one submission).

Conditions:
Neurodevelopmental disorder with regression, abnormal movements, loss of speech, and seizures. Identifiers: Orphanet 597623, MedGen C4748127, MONDO:0060759, OMIM 618088.

Allele frequency attached by ClinVar (database versions not stated): gnomAD exomes below 0.00001.
gnomAD v4.1: 1 of 1,611,026 alleles (0.000062%); highest among the groups gnomAD compares: Admixed American, 0.0017%; no homozygotes.

Submission:

Victorian Clinical Genetics Services, Murdoch Childrens Research Institute
Classification: Uncertain significance for Neurodevelopmental disorder with regression, abnormal movements, loss of speech, and seizures. Last evaluated: 2022-02-02. Review status: criteria provided, single submitter. Criteria: ACMG Guidelines, 2015. Collection method: clinical testing. Allele origin: germline. Inheritance: Autosomal dominant inheritance.
Comment: Based on the classification scheme VCGS_Germline_v1.3.4, this variant is classified as VUS-3B. Following criteria are met: 0102 - Loss of function is a known mechanism of disease in this gene and is associated with neurodevelopmental disorder with regression, abnormal movements, loss of speech, and seizures (MIM#618088). (I) 0107 - This gene is associated with autosomal dominant disease. (I) 0200 - Variant is predicted to result in a missense amino acid change from glycine to glutamic acid. (I) 0251 - This variant is heterozygous. (I) 0301 - Variant is absent from gnomAD (both v2 and v3). (SP) 0502 - Missense variant with conflicting in silico predictions and uninformative conservation. (I) 0604 - Variant is not located in an established domain, motif, hotspot or informative constraint region. (I) 0705 - No comparable missense variants have previous evidence for pathogenicity. (I) 0807 - This variant has no previous evidence of pathogenicity. (I) 0905 - No published segregation evidence has been identified for this variant. (I) 1007 - No published functional evidence has been identified for this variant. (I) 1208 - Inheritance information for this variant is not currently available in this individual. (I) Legend: (SP) - Supporting pathogenic, (I) - Information, (SB) - Supporting benign

NM_024496.4(IRF2BPL):c.2003G>A (p.Gly668Glu)

Gene: IRF2BPL (interferon regulatory factor 2 binding protein like; minus strand). Cytogenetic location: 14q24.3.
Variant type: single nucleotide variant.
Coding change: c.2003G>A on transcript NM_024496.4 (MANE Select); coding-DNA position 2003, G replaced by A.
Protein change: p.Gly668Glu; replaces glycine 668 with glutamic acid.
Molecular consequence: missense variant.
Genome position (GRCh38, 1-based): chr14:77,025,790, C>T on the plus strand (G>A on the coding strand, the complement: IRF2BPL is on the minus strand). VCF-style: chr14-77025790-C-T. GRCh37 (hg19) VCF-style: chr14-77492133-C-T.
Other names: short protein forms G668E.
Identifiers: ClinVar variation 1805141 (VCV001805141.1), dbSNP rs2503074584, ClinGen allele CA390488491.